The following is an entry in ClinVar:

NM_203446.3(SYNJ1):c.1609G>A (p.Val537Ile)

Gene: SYNJ1 (synaptojanin 1; minus strand). Cytogenetic location: 21q22.11.
Variant type: single nucleotide variant.
Coding change: c.1609G>A on transcript NM_203446.3 (MANE Select); coding-DNA position 1609, G replaced by A.
Protein change: p.Val537Ile; replaces valine 537 with isoleucine.
Molecular consequence: missense variant.
Genome position (GRCh38, 1-based): chr21:32,673,457, C>T on the plus strand (G>A on the coding strand, the complement: SYNJ1 is on the minus strand). VCF-style: chr21-32673457-C-T. GRCh37 (hg19) VCF-style: chr21-34045767-C-T.
Other names: c.1609G>A, p.Val537Ile (NM_001160302.2); c.1594G>A, p.Val532Ile (NM_001160306.2); c.1726G>A, p.Val576Ile (NM_003895.4); short protein forms V576I, V537I, V532I.
Identifiers: ClinVar variation 544556 (VCV000544556.9), dbSNP rs1555898799, ClinGen allele CA410085364.
Genomic context (GRCh38, chr21:32,673,457, plus strand): 5'-TCTGATTCTTAAAAGCTATGCTGCGAAATTGCTTCCCACCATTCACATTCCAGGTTCCGA[C>T]ACATACTCGAATTTTCTTAGGCTTTGAATATTTGTAGAAATTCTCACACATGCTCTTTAG-3'
Protein context (NP_982271.3, residues 527-547): YSKPKKIRVC[Val537Ile]GTWNVNGGKQ

ClinVar aggregate classification (germline): Uncertain significance (1 of 4 stars; one submission).

Conditions:
Early-onset Parkinson disease 20. Also called: PARKINSON DISEASE 20, AUTOSOMAL RECESSIVE EARLY-ONSET. Identifiers: Orphanet 391411, MedGen C3809824, MONDO:0014233, OMIM 615530.
Developmental and epileptic encephalopathy, 53. Also called: Epileptic encephalopathy, early infantile, 53. Identifiers: MedGen C4479313, MONDO:0033362, OMIM 617389.

Submission:

Labcorp Genetics (formerly Invitae), Labcorp
Classification: Uncertain significance for Developmental and epileptic encephalopathy, 53; Early-onset Parkinson disease 20. Last evaluated: 2017-09-12. Review status: criteria provided, single submitter. Criteria: Invitae Variant Classification Sherloc (09022015). Collection method: clinical testing. Allele origin: germline.
Comment: This variant has not been reported in the literature in individuals with SYNJ1-related disease. In summary, the available evidence is currently insufficient to determine the role of this variant in disease. Therefore, it has been classified as a Variant of Uncertain Significance. Algorithms developed to predict the effect of missense changes on protein structure and function (SIFT, PolyPhen-2, Align-GVGD) all suggest that this variant is likely to be tolerated, but these predictions have not been confirmed by published functional studies and their clinical significance is uncertain. This variant is not present in population databases (ExAC no frequency). This sequence change replaces valine with isoleucine at codon 576 of the SYNJ1 protein (p.Val576Ile). The valine residue is highly conserved and there is a small physicochemical difference between valine and isoleucine.